The following is an entry in ClinVar:

ClinVar aggregate classification (germline): Uncertain significance (1 of 4 stars; one submission).

Conditions:
Landau-Kleffner syndrome (FESD). Also called: APHASIA, ACQUIRED, WITH EPILEPSY; EPILEPSY, FOCAL, WITH SPEECH DISORDER AND WITH OR WITHOUT MENTAL RETARDATION. Identifiers: Orphanet 1945, Orphanet 725, Orphanet 98818, MedGen C0282512, MONDO:0009509, OMIM 245570.

Submission:

Labcorp Genetics (formerly Invitae), Labcorp
Classification: Uncertain significance for Landau-Kleffner syndrome. Last evaluated: 2021-07-18. Review status: criteria provided, single submitter. Criteria: Invitae Variant Classification Sherloc (09022015). Collection method: clinical testing. Allele origin: germline.
Comment: In summary, the available evidence is currently insufficient to determine the role of this variant in disease. Therefore, it has been classified as a Variant of Uncertain Significance. Advanced modeling of protein sequence and biophysical properties (such as structural, functional, and spatial information, amino acid conservation, physicochemical variation, residue mobility, and thermodynamic stability) performed at Invitae indicates that this missense variant is not expected to disrupt GRIN2A protein function. This variant has not been reported in the literature in individuals affected with GRIN2A-related conditions. This variant is not present in population databases (ExAC no frequency). This sequence change replaces methionine with leucine at codon 39 of the GRIN2A protein (p.Met39Leu). The methionine residue is weakly conserved and there is a small physicochemical difference between methionine and leucine.

NM_001134407.3(GRIN2A):c.115A>T (p.Met39Leu)

Gene: GRIN2A (glutamate ionotropic receptor NMDA type subunit 2A; minus strand). Cytogenetic location: 16p13.2.
Variant type: single nucleotide variant.
Coding change: c.115A>T on transcript NM_001134407.3 (MANE Select); coding-DNA position 115, A replaced by T.
Protein change: p.Met39Leu; replaces methionine 39 with leucine.
Molecular consequence: missense variant.
Genome position (GRCh38, 1-based): chr16:10,180,297, T>A on the plus strand (A>T on the coding strand, the complement: GRIN2A is on the minus strand). VCF-style: chr16-10180297-T-A. GRCh37 (hg19) VCF-style: chr16-10274154-T-A.
Other names: c.115A>T, p.Met39Leu (NM_000833.5, NM_001134408.2); short protein forms M39L.
Identifiers: ClinVar variation 1368557 (VCV001368557.8), dbSNP rs2142390680, ClinGen allele CA394715701.
Genomic context (GRCh38, chr16:10,180,297, plus strand): 5'-GCTCGGGGCCCCACAGTGTTCGAAGTTCGCGCTCTGTCACGTCGTGGCTGTGACCCAGCA[T>A]CACCGCAATATTTAGCGCGGGGGGACCCTTCTCCGCCGCCGCGCTCGGCGCCGGACCGCG-3'
Protein context (NP_001127879.1, residues 29-49): KGPPALNIAV[Met39Leu]LGHSHDVTER